The following is an entry in ClinVar:

NC_000006.12:g.46080187T>A

Gene: CLIC5 (CLIC family member 5; minus strand). Cytogenetic location: 6p21.1.
Variant type: single nucleotide variant.
Molecular consequence: intron variant (on NM_001370649.1). On other transcripts: missense variant (2).
Genome position: GRCh38 VCF-style: chr6-46080187-T-A. GRCh37 (hg19) VCF-style: chr6-46047924-T-A.
Other names: c.-55+49317A>T (NM_001370649.1); c.56A>T, p.Tyr19Phe (NM_001114086.2, NM_001370650.1); short protein forms Y19F.
Identifiers: ClinVar variation 2807807 (VCV002807807.3), dbSNP rs1213265196, ClinGen allele CA363966875.
Genomic context (GRCh38, chr6:46,080,187, plus strand): 5'-TACTCATGGACATCATCATAATGGGGACTTTCATTTTCTTCTGGCTGGTCTGGAACCTCA[T>A]ACGTCCTCTCATTTTGGATTGTGTCATAGATGGTGCTGTAGTCTTCGTCATTCATGCTTA-3'

ClinVar aggregate classification (germline): Uncertain significance (1 of 4 stars; one submission).

Allele frequency attached by ClinVar (database versions not stated): TOPMed below 0.00001; gnomAD 0.00001.
gnomAD v4.1: 3 of 1,551,588 alleles (0.00019%); highest among the groups gnomAD compares: Non-Finnish European, 0.00026%; no homozygotes.

Submission:

Labcorp Genetics (formerly Invitae), Labcorp
Classification: Uncertain significance. Last evaluated: 2022-10-19. Review status: criteria provided, single submitter. Criteria: Invitae Variant Classification Sherloc (09022015). Collection method: clinical testing. Allele origin: germline.
Comment: In summary, the available evidence is currently insufficient to determine the role of this variant in disease. Therefore, it has been classified as a Variant of Uncertain Significance. Algorithms developed to predict the effect of missense changes on protein structure and function (SIFT, PolyPhen-2, Align-GVGD) all suggest that this variant is likely to be tolerated. This variant has not been reported in the literature in individuals affected with CLIC5-related conditions. This variant is not present in population databases (gnomAD no frequency). This sequence change replaces tyrosine, which is neutral and polar, with phenylalanine, which is neutral and non-polar, at codon 19 of the CLIC5 protein (p.Tyr19Phe).